The following is an entry in ClinVar:

NM_000522.5(HOXA13):c.390C>A (p.Ala130=)

Genes: HOXA13 (homeobox A13; minus strand), LOC107126288 (NUP98-HOXA13 recombination region; plus strand). Cytogenetic location: 7p15.2.
Variant type: single nucleotide variant.
Coding change: c.390C>A on transcript NM_000522.5 (MANE Select); coding-DNA position 390, C replaced by A.
Protein change: p.Ala130=; no amino-acid change (alanine 130 retained).
Molecular consequence: synonymous variant.
Genome position (GRCh38, 1-based): chr7:27,199,688, G>T on the plus strand (C>A on the coding strand, the complement: HOXA13 is on the minus strand). VCF-style: chr7-27199688-G-T. GRCh37 (hg19) VCF-style: chr7-27239307-G-T.
Identifiers: ClinVar variation 3036773 (VCV003036773.2), dbSNP rs2534827756, ClinGen allele CA454513856.

ClinVar aggregate classification (germline): Likely benign (0 of 4 stars; one submission).

Conditions:
HOXA13-related disorder. Also called: HOXA13-related condition.

Submission:

PreventionGenetics, part of Exact Sciences
Classification: Likely benign for HOXA13-related condition. Last evaluated: 2022-04-20. Review status: no assertion criteria provided. Collection method: clinical testing. Allele origin: germline.
Comment: This variant is classified as likely benign based on ACMG/AMP sequence variant interpretation guidelines (Richards et al. 2015 PMID: 25741868, with internal and published modifications).